The following is an entry in ClinVar:

NM_000388.4(CASR):c.1803G>C (p.Lys601Asn)

Gene: CASR (calcium sensing receptor; plus strand). Cytogenetic location: 3q21.1.
Variant type: single nucleotide variant.
Coding change: c.1803G>C on transcript NM_000388.4 (MANE Select); coding-DNA position 1803, G replaced by C.
Protein change: p.Lys601Asn; replaces lysine 601 with asparagine.
Molecular consequence: missense variant.
Genome position (GRCh38, 1-based): chr3:122,283,757, G>C. VCF-style: chr3-122283757-G-C. GRCh37 (hg19) VCF-style: chr3-122002604-G-C.
Other names: c.1833G>C, p.Lys611Asn (NM_001178065.2); short protein forms K601N, K611N.
Identifiers: ClinVar variation 2203419 (VCV002203419.4), dbSNP rs2074922113, ClinGen allele CA354157419.

ClinVar aggregate classification (germline): Uncertain significance (1 of 4 stars; one submission).

Conditions:
Autosomal dominant hypocalcemia 1 (HYPOC1). Also called: HYPOCALCEMIA, FAMILIAL. Identifiers: MedGen C3715128, MONDO:0011013, OMIM 601198.
Familial hypocalciuric hypercalcemia (FHH). Also called: Familial benign hypercalcemia. Identifiers: Orphanet 405, MedGen C1809471, MONDO:0018458.

Submission:

Labcorp Genetics (formerly Invitae), Labcorp
Classification: Uncertain significance for Familial hypocalciuric hypercalcemia; Autosomal dominant hypocalcemia 1. Last evaluated: 2022-07-29. Review status: criteria provided, single submitter. Criteria: Invitae Variant Classification Sherloc (09022015). Collection method: clinical testing. Allele origin: germline.
Comment: This sequence change replaces lysine, which is basic and polar, with asparagine, which is neutral and polar, at codon 601 of the CASR protein (p.Lys601Asn). This variant is not present in population databases (gnomAD no frequency). This missense change has been observed in individual(s) with familial hypocalciuric hypercalcemia (PMID: 26963950). Algorithms developed to predict the effect of missense changes on protein structure and function (SIFT, PolyPhen-2, Align-GVGD) all suggest that this variant is likely to be disruptive. In summary, the available evidence is currently insufficient to determine the role of this variant in disease. Therefore, it has been classified as a Variant of Uncertain Significance.

Literature cited by the submitters: PubMed 26963950.